The following is an entry in ClinVar:

ClinVar aggregate classification (germline): Pathogenic/Likely pathogenic. Review status: criteria provided, multiple submitters, no conflicts (2 of 4 stars). 3 submissions from 3 submitters: Pathogenic (1); Likely pathogenic (1). 1 of the submissions does not count toward it. Last evaluated 2026-01-26.

Conditions:
ALG9-associated autosomal dominant polycystic kidney disease. Identifiers: MedGen CN305626, MONDO:0700000.

Allele frequency attached by ClinVar (database versions not stated): gnomAD 0.00001; TOPMed below 0.00001.

Submissions (3):

Medical and Scientific Branch, Hong Kong Genome Institute
Classification: Likely pathogenic for ALG9-associated autosomal dominant polycystic kidney disease. Last evaluated: 2026-01-26. Review status: criteria provided, single submitter. Criteria: ACMG Guidelines, 2015. Collection method: clinical testing. Allele origin: unknown. Affected: yes.

Victorian Clinical Genetics Services, Murdoch Childrens Research Institute
Classification: Pathogenic for ALG9-associated autosomal dominant polycystic kidney disease. Last evaluated: 2023-07-17. Review status: criteria provided, single submitter. Criteria: ACMG Guidelines, 2015. Collection method: clinical testing. Allele origin: germline. Affected: yes.
Comment: Based on the classification scheme VCGS_Germline_v1.3.4, this variant is classified as Pathogenic. Following criteria are met: 0102 - Loss of function is a known mechanism of disease in this gene and is associated with congenital disorder of glycosylation, type Il (MIM#608776), Gillessen-Kaesbach-Nishimura syndrome, (MIM#263210) and ALG9-associated autosomal dominant polycystic kidney disease (MONDO#0700000). (I) 0108 - This gene is associated with both recessive and dominant disease. Individuals with biallelic missense variants have congenital disorder of glycosylation, type Il (MIM#608776) and biallelic null variants have Gillessen-Kaesbach-Nishimura syndrome, (MIM#263210). Heterozygous individuals have a form of polycystic kidney diease with incomplete penetrance (PMID: 31395617). (I) 0112 - The condition associated with this gene has incomplete penetrance (PMID: 31395617). (I) 0201 - Variant is predicted to cause nonsense-mediated decay (NMD) and loss of protein (premature termination codon is located at least 54 nucleotides upstream of the final exon-exon junction). (SP) 0251 - This variant is heterozygous. (I) 0304 - Variant is present in gnomAD (v3) <0.01 (1 heterozygote, 0 homozygotes). (SP) 0701 - Other NMD-predicted variants comparable to the one identified in this case have very strong previous evidence for pathogenicity. These variants have been reported as pathogenic, and observed in heterozygous individuals with kidney cysts and biallelic individuals with Gillessen-Kaesbach-Nishimura skeletal dysplasia (ClinVar, PMID: 31395617, PMID: 25966638). (SP) 0807 - This variant has no previous evidence of pathogenicity. (I) 0905 - No published segregation evidence has been identified for this variant. (I) 1007 - No published functional evidence has been identified for this variant. (I) 1208 - Inheritance information for this variant is not currently available in this individual. (I) Legend: (SP) - Supporting pathogenic, (I) - Information, (SB) - Supporting benign

Genetic Services Laboratory, University of Chicago
Classification: Likely pathogenic. Last evaluated: 2022-12-20. Review status: no assertion criteria provided. Collection method: clinical testing. Allele origin: germline. Affected: yes. Not counted in ClinVar's aggregate classification.
Comment: DNA sequence analysis of the ALG9 gene demonstrated a one base pair deletion in exon 11, c.1225del. This sequence change results in an amino acid frameshift and creates a premature stop codon seven amino acids downstream of the change, p.Arg409Alafs*7. This sequence change is predicted to result in an abnormal transcript, which may be degraded, or may lead to the production of a truncated ALG9 protein with potentially abnormal function. The c.1225del sequence change has not been described in population databases such as ExAC and gnomAD. While this sequence change has not previously been described in the literature, other loss-of-function variants in the ALG9 gene have been described in individuals with ALG9-related disorders (PMID: 31395617). Based on these collective evidences this sequence change is classified as likely pathogenic, however functional studies have not been performed to prove this conclusively.

Literature cited by the submitters: PubMed 25966638 (cited by Victorian Clinical Genetics Services, Murdoch Childrens Research Institute); PubMed 31395617 (cited by Victorian Clinical Genetics Services, Murdoch Childrens Research Institute).

NM_024740.2(ALG9):c.1225del (p.Arg409fs)

Gene: ALG9 (ALG9 alpha-1,2-mannosyltransferase; minus strand). Cytogenetic location: 11q23.1.
Variant type: Deletion.
Coding change: c.1225del on transcript NM_024740.2 (MANE Select); coding-DNA position 1225, one base deleted (C; older notation c.1225delC).
Protein change: p.Arg409fs; shifts the reading frame from arginine 409.
Molecular consequence: frameshift variant. On other transcripts: non-coding transcript variant (1).
Genome position (GRCh38, 1-based): chr11:111,838,348, G deleted on the plus strand (C on the coding strand, the reverse complement: ALG9 is on the minus strand). VCF-style (leftmost placement, unchanged base first): chr11-111838347-CG-C. GRCh37 (hg19) VCF-style: chr11-111709070-CG-C.
Other names: c.1204del, p.Arg402fs (NM_001077690.1, NM_001352417.1); c.712del, p.Arg238fs (NM_001077691.2, NM_001352413.1, NM_001352414.2 and 1 more transcripts); c.691del, p.Arg231fs (NM_001077692.2, NM_001352409.1, NM_001352410.1 and 6 more transcripts); c.1081del, p.Arg361fs (NM_001352418.1); c.616del, p.Arg206fs (NM_001352422.2); c.568del, p.Arg190fs (NM_001352423.2); c.1225delC (NM_024740.2); short protein forms R190fs, R206fs, R231fs, R238fs, R361fs, R402fs, R409fs.
Identifiers: ClinVar variation 2443122 (VCV002443122.4), dbSNP rs1324062430, ClinGen allele CA671734864.